The following is an entry in ClinVar:

NM_000218.3(KCNQ1):c.1209C>T (p.His403=)

Gene: KCNQ1 (potassium voltage-gated channel subfamily Q member 1; plus strand). Cytogenetic location: 11p15.5.
Variant type: single nucleotide variant.
Coding change: c.1209C>T on transcript NM_000218.3 (MANE Select); coding-DNA position 1209, C replaced by T.
Protein change: p.His403=; no amino-acid change (histidine 403 retained).
Molecular consequence: synonymous variant.
Genome position (GRCh38, 1-based): chr11:2,587,650, C>T. VCF-style: chr11-2587650-C-T. GRCh37 (hg19) VCF-style: chr11-2608880-C-T.
Other names: c.1113C>T, p.His371= (NM_001406836.1); c.939C>T, p.His313= (NM_001406837.1); c.669C>T, p.His223= (NM_001406838.1); c.828C>T, p.His276= (NM_181798.2).
Identifiers: ClinVar variation 925715 (VCV000925715.10), dbSNP rs779294146, ClinGen allele CA027792.

ClinVar aggregate classification (germline): Likely benign. Review status: criteria provided, multiple submitters, no conflicts (2 of 4 stars). 5 submissions from 5 submitters: Likely benign (5). Last evaluated 2025-11-10.

Conditions:
Long QT syndrome (LQTS). Identifiers: MedGen C0023976, MeSH D008133, MONDO:0002442. Disease mechanism: loss of function. Inheritance: Various modes of inheritance.
Cardiovascular phenotype. Identifiers: MedGen CN230736.
Cardiac arrhythmia. Also called: Cardiac rhythm disease; Arrhythmia. Identifiers: MedGen C0003811, MONDO:0007263, HP:0011675.

Allele frequency attached by ClinVar (database versions not stated): TOPMed below 0.00001; gnomAD 0.00001; ExAC 0.00002; gnomAD exomes 0.00002.
gnomAD v4.1: 81 of 1,613,834 alleles (0.005%); highest among the groups gnomAD compares: Non-Finnish European, 0.0069%; no homozygotes.

Submissions (5):

Women's Health and Genetics/Laboratory Corporation of America, LabCorp
Classification: Likely benign. Last evaluated: 2025-11-10. Review status: criteria provided, single submitter. Criteria: LabCorp Variant Classification Summary - May 2015. Collection method: clinical testing. Allele origin: germline.

Labcorp Genetics (formerly Invitae), Labcorp
Classification: Likely benign for Long QT syndrome. Last evaluated: 2025-10-19. Review status: criteria provided, single submitter. Criteria: Invitae Variant Classification Sherloc (09022015). Collection method: clinical testing. Allele origin: germline.

All of Us Research Program, National Institutes of Health
Classification: Likely benign for Long QT syndrome. Last evaluated: 2023-10-23. Review status: criteria provided, single submitter. Criteria: ACMG Guidelines, 2015. Collection method: clinical testing. Allele origin: germline. Inheritance: Autosomal dominant inheritance. Observed: 3 variant alleles, 3 heterozygotes.
Comment: This study involves interpretation of variants in research participants for the purpose of population health screening. Participant phenotype was not available at the time of variant classification. Additional details can be found in publication PMID: 35346344, PMCID: PMC8962531

Color Diagnostics, LLC DBA Color Health
Classification: Likely benign for Arrhythmia. Last evaluated: 2019-11-24. Review status: criteria provided, single submitter. Criteria: ACMG Guidelines, 2015. Collection method: clinical testing. Allele origin: germline.

Ambry Genetics
Classification: Likely benign for Cardiovascular phenotype. Last evaluated: 2017-09-01. Review status: criteria provided, single submitter. Criteria: Ambry Variant Classification Scheme 2023. Collection method: clinical testing. Allele origin: germline.